The following is an entry in ClinVar:

ClinVar aggregate classification (germline): Uncertain significance (1 of 4 stars; one submission).

Conditions:
Inborn genetic diseases. Identifiers: MedGen C0950123, MeSH D030342.

gnomAD v4.1: 1 of 1,613,526 alleles (0.000062%); highest among the groups gnomAD compares: Non-Finnish European, 0.000085%; no homozygotes.

Submission:

Ambry Genetics
Classification: Uncertain significance for Inborn genetic diseases. Last evaluated: 2024-11-23. Review status: criteria provided, single submitter. Criteria: Ambry Variant Classification Scheme 2023. Collection method: clinical testing. Allele origin: germline.
Comment: The p.K201R variant (also known as c.602A>G), located in coding exon 4 of the ANKRD26 gene, results from an A to G substitution at nucleotide position 602. The lysine at codon 201 is replaced by arginine, an amino acid with highly similar properties. This amino acid position is conserved. In addition, this alteration is predicted to be tolerated by in silico analysis. Based on the available evidence, the clinical significance of this variant remains unclear.

NM_014915.3(ANKRD26):c.602A>G (p.Lys201Arg)

Gene: ANKRD26 (ankyrin repeat domain containing 26; minus strand). Cytogenetic location: 10p12.1.
Variant type: single nucleotide variant.
Coding change: c.602A>G on transcript NM_014915.3 (MANE Select); coding-DNA position 602, A replaced by G.
Protein change: p.Lys201Arg; replaces lysine 201 with arginine.
Molecular consequence: missense variant.
Genome position (GRCh38, 1-based): chr10:27,092,442, T>C on the plus strand (A>G on the coding strand, the complement: ANKRD26 is on the minus strand). VCF-style: chr10-27092442-T-C. GRCh37 (hg19) VCF-style: chr10-27381371-T-C.
Other names: c.602A>G, p.Lys201Arg (NM_001256053.2); short protein forms K201R.
Identifiers: ClinVar variation 3396616 (VCV003396616.1).